The following is an entry in ClinVar:

ClinVar aggregate classification (germline): Uncertain significance (1 of 4 stars; one submission).

gnomAD v4.1: 1 of 1,614,034 alleles (0.000062%); highest among the groups gnomAD compares: Non-Finnish European, 0.000085%; no homozygotes.

Submission:

GeneDx
Classification: Uncertain significance. Last evaluated: 2024-04-26. Review status: criteria provided, single submitter. Criteria: GeneDx Variant Classification Process June 2021. Collection method: clinical testing. Allele origin: germline. Affected: yes.
Comment: Not observed at significant frequency in large population cohorts (gnomAD); In silico analysis supports that this missense variant has a deleterious effect on protein structure/function; Has not been previously published as pathogenic or benign to our knowledge

NM_182961.4(SYNE1):c.4475A>C (p.Glu1492Ala)

Gene: SYNE1 (spectrin repeat containing nuclear envelope protein 1; minus strand). Cytogenetic location: 6q25.2.
Variant type: single nucleotide variant.
Coding change: c.4475A>C on transcript NM_182961.4 (MANE Select); coding-DNA position 4475, A replaced by C.
Protein change: p.Glu1492Ala; replaces glutamic acid 1492 with alanine.
Molecular consequence: missense variant.
Genome position (GRCh38, 1-based): chr6:152,430,696, T>G on the plus strand (A>C on the coding strand, the complement: SYNE1 is on the minus strand). VCF-style: chr6-152430696-T-G. GRCh37 (hg19) VCF-style: chr6-152751831-T-G.
Other names: c.4496A>C, p.Glu1499Ala (NM_033071.5); short protein forms E1492A, E1499A.
Identifiers: ClinVar variation 3372961 (VCV003372961.1).